The following is an entry in ClinVar:

ClinVar aggregate classification (germline): Uncertain significance (1 of 4 stars; one submission).

Conditions:
Ciliary dyskinesia, primary, 37 (CILD37). Also called: CILIARY DYSKINESIA, PRIMARY, 37, WITH OR WITHOUT SITUS INVERSUS. Identifiers: MedGen C4539798, MONDO:0033204, OMIM 617577.
Spermatogenic failure 18. Identifiers: MedGen C4539783, MONDO:0054615, OMIM 617576.

Allele frequency attached by ClinVar (database versions not stated): gnomAD 0.00001.

Submission:

Labcorp Genetics (formerly Invitae), Labcorp
Classification: Uncertain significance for Ciliary dyskinesia, primary, 37; Spermatogenic failure 18. Last evaluated: 2021-09-16. Review status: criteria provided, single submitter. Criteria: Invitae Variant Classification Sherloc (09022015). Collection method: clinical testing. Allele origin: germline.
Comment: This sequence change replaces methionine with valine at codon 2602 of the DNAH1 protein (p.Met2602Val). The methionine residue is highly conserved and there is a small physicochemical difference between methionine and valine. In summary, the available evidence is currently insufficient to determine the role of this variant in disease. Therefore, it has been classified as a Variant of Uncertain Significance. Algorithms developed to predict the effect of sequence changes on RNA splicing suggest that this variant may disrupt the consensus splice site. Algorithms developed to predict the effect of missense changes on protein structure and function are either unavailable or do not agree on the potential impact of this missense change (SIFT: "Deleterious"; PolyPhen-2: "Benign"; Align-GVGD: "Class C0"). This variant has not been reported in the literature in individuals affected with DNAH1-related conditions. This variant is not present in population databases (ExAC no frequency).

NM_015512.5(DNAH1):c.7804A>G (p.Met2602Val)

Gene: DNAH1 (dynein axonemal heavy chain 1; plus strand). Cytogenetic location: 3p21.1.
Variant type: single nucleotide variant.
Coding change: c.7804A>G on transcript NM_015512.5 (MANE Select); coding-DNA position 7804, A replaced by G.
Protein change: p.Met2602Val; replaces methionine 2602 with valine.
Molecular consequence: missense variant.
Genome position (GRCh38, 1-based): chr3:52,381,835, A>G. VCF-style: chr3-52381835-A-G. GRCh37 (hg19) VCF-style: chr3-52415851-A-G.
Other names: short protein forms M2602V.
Identifiers: ClinVar variation 1481754 (VCV001481754.6), dbSNP rs1461371514, ClinGen allele CA353180676.